The following is an entry in ClinVar:

ClinVar aggregate classification (germline): Uncertain significance. Review status: criteria provided, multiple submitters, no conflicts (2 of 4 stars). 2 submissions from 2 submitters: Uncertain significance (2). Last evaluated 2024-01-22.

gnomAD v4.1: 3 of 1,613,450 alleles (0.00019%); highest among the groups gnomAD compares: Non-Finnish European, 0.00025%; no homozygotes.

Submissions (2):

GeneDx
Classification: Uncertain significance. Last evaluated: 2024-01-22. Review status: criteria provided, single submitter. Criteria: GeneDx Variant Classification Process June 2021. Collection method: clinical testing. Allele origin: germline. Affected: yes.
Comment: Not observed at significant frequency in large population cohorts (gnomAD); In silico analysis is inconclusive as to whether the variant alters gene splicing. In the absence of RNA/functional studies, the actual effect of this sequence change is unknown.; Has not been previously published as pathogenic or benign to our knowledge

Mayo Clinic Laboratories, Mayo Clinic
Classification: Uncertain significance. Last evaluated: 2023-10-11. Review status: criteria provided, single submitter. Criteria: ACMG Guidelines, 2015. Collection method: clinical testing. Allele origin: germline. Observed: 1 variant allele.
Comment: PM2_moderate

NM_020919.4(ALS2):c.2352-3A>G

Gene: ALS2 (alsin Rho guanine nucleotide exchange factor ALS2; minus strand). Cytogenetic location: 2q33.1.
Variant type: single nucleotide variant.
Coding change: c.2352-3A>G on transcript NM_020919.4 (MANE Select); 3 bases into the intron before coding-DNA position 2352, A replaced by G.
Molecular consequence: intron variant.
Genome position (GRCh38, 1-based): chr2:201,738,738, T>C on the plus strand (A>G on the coding strand, the complement: ALS2 is on the minus strand). VCF-style: chr2-201738738-T-C. GRCh37 (hg19) VCF-style: chr2-202603461-T-C.
Other names: p.?; c.2352-3A>G (NM_001410975.1).
Identifiers: ClinVar variation 3368136 (VCV003368136.2).